The following is an entry in ClinVar:

NM_000810.4(GABRA5):c.303A>T (p.Arg101=)

Gene: GABRA5 (gamma-aminobutyric acid type A receptor subunit alpha5; plus strand). Cytogenetic location: 15q12.
Variant type: single nucleotide variant.
Coding change: c.303A>T on transcript NM_000810.4 (MANE Select); coding-DNA position 303, A replaced by T.
Protein change: p.Arg101=; no amino-acid change (arginine 101 retained).
Molecular consequence: synonymous variant.
Genome position (GRCh38, 1-based): chr15:26,883,363, A>T. VCF-style: chr15-26883363-A-T. GRCh37 (hg19) VCF-style: chr15-27128510-A-T.
Other names: c.303A>T, p.Arg101= (NM_001165037.2).
Identifiers: ClinVar variation 712736 (VCV000712736.8), dbSNP rs201750882, ClinGen allele CA7437783.

ClinVar aggregate classification (germline): Benign/Likely benign. Review status: criteria provided, multiple submitters, no conflicts (2 of 4 stars). 2 submissions from 2 submitters: Benign (1); Likely benign (1). Last evaluated 2026-07-01.

Allele frequency attached by ClinVar (database versions not stated): gnomAD 0.00008 and 0.00009; 1000 Genomes Project 0.00020; TOPMed 0.00029; 1000 Genomes Project 30x 0.00031.
gnomAD v4.1: 192 of 1,613,984 alleles (0.012%); highest among the groups gnomAD compares: Admixed American, 0.32%; 2 homozygotes.

Submissions (2):

CeGaT Center for Human Genetics Tuebingen
Classification: Likely benign. Last evaluated: 2026-07-01. Review status: criteria provided, single submitter. Criteria: CeGaT Center For Human Genetics Tuebingen Variant Classification Criteria Version 2. Collection method: clinical testing. Allele origin: germline. Affected: yes. Observed: 3 variant alleles.
Comment: GABRA5: BP4, BP7, BS1

Labcorp Genetics (formerly Invitae), Labcorp
Classification: Benign. Last evaluated: 2018-07-31. Review status: criteria provided, single submitter. Criteria: Invitae Variant Classification Sherloc (09022015). Collection method: clinical testing. Allele origin: germline.